The following is an entry in ClinVar:

NM_000202.8(IDS):c.185del (p.Pro62fs)

Gene: IDS (iduronate 2-sulfatase; minus strand). Cytogenetic location: Xq28.
Variant type: Deletion.
Coding change: c.185del on transcript NM_000202.8 (MANE Select); coding-DNA position 185, one base deleted (C; older notation c.185delC).
Protein change: p.Pro62fs; shifts the reading frame from proline 62.
Molecular consequence: frameshift variant. On other transcripts: 5 prime UTR variant (1), non-coding transcript variant (1).
Genome position (GRCh38, 1-based): chrX:149,504,212, G deleted on the plus strand (C on the coding strand, the reverse complement: IDS is on the minus strand); the first of 4 consecutive G bases (chrX:149,504,212-149,504,215); deleting any one gives the same sequence. VCF-style (leftmost placement, unchanged base first): chrX-149504211-TG-T. GRCh37 (hg19) VCF-style: chrX-148585741-TG-T.
Other names: c.-42del (NM_001166550.4); c.185del, p.Pro62fs (NM_006123.5); short protein forms P62fs.
Identifiers: ClinVar variation 3256022 (VCV003256022.2).
Genomic context (GRCh38, chrX:149,504,211, plus strand): 5'-ACATACCTGCGCAAAGGCATTCTGGAAGAGGAGGCTGTGGGATGCCAGTTGGTCAATATT[TG>T]GGGACCTCACCAGCTTATCCCCATAACAGCCCAGGGAGGGGCGCAGGTCATCCACGATGA-3'

ClinVar aggregate classification (germline): Pathogenic (1 of 4 stars; one submission).

Conditions:
Mucopolysaccharidosis, MPS-II (MPS2). Also called: Hunter Syndrome; IDURONATE 2-SULFATASE DEFICIENCY; Mucopolysaccharidosis Type II; Mucopolysaccharidosis type 2; Attenuated MPS (subtype; formerly known as mild MPS II); Severe MPS II. Identifiers: Orphanet 580, Orphanet 79388, MedGen C0026705, MONDO:0010674, OMIM 309900.

Submission:

Laboratory of Diagnosis and Therapy of Lysosomal Disorders, University of Padova
Classification: Pathogenic for Mucopolysaccharidosis, MPS-II. Last evaluated: 2024-06-07. Review status: criteria provided, single submitter. Criteria: ACMG Guidelines, 2015. Collection method: literature only. Allele origin: germline. Affected: yes. Observed: 1 variant allele.
Comment: Null variant (PVS1_VeryStrong), Absent from controls (or at low frequency) in gnomAD database (PM2_Moderate), Patient’s phenotype or family history highly specific for the disease (PP4_Strong)

Classification method: ACMG Guidelines [PMID:25741868] with modifications

Literature cited by the submitters: PubMed 25681085.